The following is an entry in ClinVar:

ClinVar aggregate classification (germline): Benign. Review status: criteria provided, multiple submitters, no conflicts (2 of 4 stars). 2 submissions from 2 submitters: Benign (2). Last evaluated 2018-01-13.

Conditions:
Autosomal dominant striatal neurodegeneration type 1. Identifiers: Orphanet 228169, MedGen C4310808, MONDO:0012205, OMIM 609161.

Allele frequency attached by ClinVar (database versions not stated): gnomAD exomes 0.56015; gnomAD 0.61860 and 0.61909; TOPMed 0.64580; 1000 Genomes Project 0.66114; 1000 Genomes Project 30x 0.66943.
gnomAD v4.1: 474,981 of 830,778 alleles (57%); highest among the groups gnomAD compares: African/African-American, 81%; 139,671 homozygotes.

Submissions (2):

Illumina Laboratory Services, Illumina
Classification: Benign for Autosomal dominant striatal neurodegeneration type 1. Last evaluated: 2018-01-13. Review status: criteria provided, single submitter. Criteria: ICSL Variant Classification Criteria 13 December 2019. Collection method: clinical testing. Allele origin: germline.
Comment: This variant was observed in the ICSL laboratory as part of a predisposition screen in an ostensibly healthy population. It had not been previously curated by ICSL or reported in the Human Gene Mutation Database (HGMD: prior to June 1st, 2018), and was therefore a candidate for classification through an automated scoring system. Utilizing variant allele frequency, disease prevalence and penetrance estimates, and inheritance mode, an automated score was calculated to assess if this variant is too frequent to cause the disease. Based on the score and internal cut-off values, a variant classified as benign is not then subjected to further curation. The score for this variant resulted in a classification of benign for this disease.

Breakthrough Genomics
Classification: Benign. Review status: criteria provided, single submitter. Criteria: ACMG Guidelines, 2015. Collection method: not provided. Allele origin: germline. Inheritance: Autosomal dominant inheritance. Affected: yes.

NM_003719.5(PDE8B):c.*64G>A

Gene: PDE8B (phosphodiesterase 8B; plus strand). Cytogenetic location: 5q13.3.
Variant type: single nucleotide variant.
Coding change: c.*64G>A on transcript NM_003719.5 (MANE Select); 64 bases downstream of the stop codon, G replaced by A.
Molecular consequence: 3 prime UTR variant.
Genome position (GRCh38, 1-based): chr5:77,426,618, G>A. VCF-style: chr5-77426618-G-A. GRCh37 (hg19) VCF-style: chr5-76722443-G-A.
Other names: c.*64G>A (NM_001029851.4, NM_001029852.4, NM_001029853.4 and 19 more transcripts); c.*150G>A (NM_001349751.3, NM_001376072.1).
Identifiers: ClinVar variation 354179 (VCV000354179.7), dbSNP rs40594, ClinGen allele CA10624962.